The following is an entry in ClinVar:

NM_001165963.4(SCN1A):c.5613del (p.Phe1871fs)

Genes: SCN1A (sodium voltage-gated channel alpha subunit 1; minus strand), LOC102724058 (uncharacterized LOC102724058; plus strand). Cytogenetic location: 2q24.3.
Variant type: Deletion.
Coding change: c.5613del on transcript NM_001165963.4 (MANE Select); coding-DNA position 5613, one base deleted (T; older notation c.5613delT).
Protein change: p.Phe1871fs; shifts the reading frame from phenylalanine 1871.
Molecular consequence: frameshift variant. On other transcripts: non-coding transcript variant (1).
Genome position (GRCh38, 1-based): chr2:165,991,662, A deleted on the plus strand (T on the coding strand, the reverse complement: SCN1A is on the minus strand); the first of 4 consecutive A bases (chr2:165,991,662-165,991,665); deleting any one gives the same sequence. VCF-style (leftmost placement, unchanged base first): chr2-165991661-TA-T. GRCh37 (hg19) VCF-style: chr2-166848171-TA-T.
Other names: c.5529del, p.Phe1843fs (NM_001165964.3, NM_001353957.2, NM_001353958.2); c.5613del, p.Phe1871fs (NM_001202435.3, NM_001353948.2); c.5580del, p.Phe1860fs (NM_001353949.2, NM_001353950.2, NM_001353951.2 and 2 more transcripts); c.5577del, p.Phe1859fs (NM_001353954.2, NM_001353955.2); c.5526del, p.Phe1842fs (NM_001353960.2); c.3171del, p.Phe1057fs (NM_001353961.2); short protein forms F1842fs, F1843fs, F1860fs, F1871fs, F1057fs, F1859fs.
Identifiers: ClinVar variation 2693948 (VCV002693948.3), dbSNP rs2468329214, ClinGen allele CA2697551206.
Genomic context (GRCh38, chr2:165,991,661, plus strand): 5'-GCTCTTCCATCTGTATTCGTAGAGCATCCATCTCTCCACTCTCTCCTAGAACCCGCTTTG[TA>T]AAAGCAAATAAGATATCAAGACAGTGGATCCGGTCACCACTCACCATGGGCAAATCCATG-3'

ClinVar aggregate classification (germline): Pathogenic (1 of 4 stars; one submission).

Conditions:
Early-infantile DEE. Also called: Ohtahara syndrome; Early infantile epileptic encephalopathy with suppression bursts; Early infantile epileptic encephalopathy. Identifiers: Orphanet 1934, MedGen C0393706, MONDO:0800491.

Submission:

Labcorp Genetics (formerly Invitae), Labcorp
Classification: Pathogenic for Early-infantile DEE. Last evaluated: 2023-11-07. Review status: criteria provided, single submitter. Criteria: Invitae Variant Classification Sherloc (09022015). Collection method: clinical testing. Allele origin: germline.
Comment: This sequence change creates a premature translational stop signal (p.Phe1871Leufs*6) in the SCN1A gene. While this is not anticipated to result in nonsense mediated decay, it is expected to disrupt the last 139 amino acid(s) of the SCN1A protein. This variant is not present in population databases (gnomAD no frequency). This variant has not been reported in the literature in individuals affected with SCN1A-related conditions. This variant disrupts a region of the SCN1A protein in which other variant(s) (p.Arg1912*) have been determined to be pathogenic (PMID: 14738421, 20522430, 23195492; Invitae). This suggests that this is a clinically significant region of the protein, and that variants that disrupt it are likely to be disease-causing. For these reasons, this variant has been classified as Pathogenic.

Literature cited by the submitters: PubMed 14738421; PubMed 20522430; PubMed 23195492.